The following is an entry in ClinVar:

ClinVar aggregate classification (germline): Uncertain significance. Review status: criteria provided, single submitter (1 of 4 stars). 2 submissions from 2 submitters: Uncertain significance (1). 1 of the submissions does not count toward it. Last evaluated 2021-09-01.

Conditions:
HYPERHOMOCYSTEINEMIA, THROMBOTIC, CBS-RELATED. Identifiers: MedGen C3150344, OMIM 236200.
Classic homocystinuria. Also called: Homocystinuria due to Cystathionine Beta-Synthase Deficiency; HOMOCYSTINURIA WITH OR WITHOUT RESPONSE TO PYRIDOXINE; Homocystinuria due to CBS deficiency; Cystathionine beta-synthase deficiency; CBS deficiency. Identifiers: Orphanet 394, MedGen C0751202, MONDO:0009352, OMIM 236200.

Allele frequency attached by ClinVar (database versions not stated): gnomAD exomes 0.00001; ExAC 0.00003; 1000 Genomes Project 0.00020.

Submissions (2):

Labcorp Genetics (formerly Invitae), Labcorp
Classification: Uncertain significance for HYPERHOMOCYSTEINEMIA, THROMBOTIC, CBS-RELATED. Last evaluated: 2021-09-01. Review status: criteria provided, single submitter. Criteria: Invitae Variant Classification Sherloc (09022015). Collection method: clinical testing. Allele origin: germline.
Comment: This sequence change replaces lysine with arginine at codon 211 of the CBS protein (p.Lys211Arg). The lysine residue is moderately conserved and there is a small physicochemical difference between lysine and arginine. This variant is present in population databases (rs201118737, ExAC 0.05%). This variant has not been reported in the literature in individuals affected with CBS-related conditions. Algorithms developed to predict the effect of missense changes on protein structure and function output the following: SIFT: "Tolerated"; PolyPhen-2: "Benign"; Align-GVGD: "Class C0". The arginine amino acid residue is found in multiple mammalian species, which suggests that this missense change does not adversely affect protein function. In summary, the available evidence is currently insufficient to determine the role of this variant in disease. Therefore, it has been classified as a Variant of Uncertain Significance.

Natera, Inc.
Classification: Uncertain significance for Homocystinuria due to cystathionine beta-synthase deficiency. Last evaluated: 2020-12-22. Review status: no assertion criteria provided. Collection method: clinical testing. Allele origin: germline. Not counted in ClinVar's aggregate classification.

NM_000071.3(CBS):c.632A>G (p.Lys211Arg)

Gene: CBS (cystathionine beta-synthase; minus strand). Cytogenetic location: 21q22.3.
Variant type: single nucleotide variant.
Coding change: c.632A>G on transcript NM_000071.3 (MANE Select); coding-DNA position 632, A replaced by G.
Protein change: p.Lys211Arg; replaces lysine 211 with arginine.
Molecular consequence: missense variant.
Genome position (GRCh38, 1-based): chr21:43,065,421, T>C on the plus strand (A>G on the coding strand, the complement: CBS is on the minus strand). VCF-style: chr21-43065421-T-C. GRCh37 (hg19) VCF-style: chr21-44485531-T-C.
Other names: c.632A>G, p.Lys211Arg (NM_001178008.3, NM_001178009.3, NM_001320298.2); c.317A>G, p.Lys106Arg (NM_001321072.1); short protein forms K211R, K106R.
Identifiers: ClinVar variation 967777 (VCV000967777.7), dbSNP rs201118737, ClinGen allele CA321095900.